The following is an entry in ClinVar:

NM_001101426.4(CRPPA):c.337C>T (p.Gln113Ter)

Gene: CRPPA (CDP-L-ribitol pyrophosphorylase A; minus strand). Cytogenetic location: 7p21.2.
Variant type: single nucleotide variant.
Coding change: c.337C>T on transcript NM_001101426.4 (MANE Select); coding-DNA position 337, C replaced by T.
Protein change: p.Gln113Ter; replaces glutamine 113 with a stop codon.
Molecular consequence: nonsense. On other transcripts: non-coding transcript variant (1).
Genome position (GRCh38, 1-based): chr7:16,406,258, G>A on the plus strand (C>T on the coding strand, the complement: CRPPA is on the minus strand). VCF-style: chr7-16406258-G-A. GRCh37 (hg19) VCF-style: chr7-16445883-G-A.
Other names: c.337C>T, p.Gln113Ter (NM_001101417.4, NM_001368197.1); short protein forms Q113*.
Identifiers: ClinVar variation 2930168 (VCV002930168.3), dbSNP rs748007203, ClinGen allele CA4169631.
Genomic context (GRCh38, chr7:16,406,258, plus strand): 5'-CATTGAAAATTGACCTGTGGCGGGTCACTCCAGCTTCGACCAGTGAGATGCGTTTATGCT[G>A]ATACTTCTGAATAATACTTTTCATTACTTCCATGTTCTCTCCAGTTACTGCCACAACAAT-3'

ClinVar aggregate classification (germline): Pathogenic (1 of 4 stars; one submission).

Conditions:
Autosomal recessive limb-girdle muscular dystrophy type 2U. Also called: Muscular dystrophy-dystroglycanopathy (limb-girdle), type c, 7; MUSCULAR DYSTROPHY, LIMB-GIRDLE, TYPE 2U. Identifiers: Orphanet 352479, MedGen C5190987, MONDO:0014474, OMIM 616052.
Muscular dystrophy-dystroglycanopathy (congenital with brain and eye anomalies), type A, 7. Also called: WALKER-WARBURG SYNDROME OR MUSCLE-EYE-BRAIN DISEASE, ISPD-RELATED; Congenital muscular dystrophy-dystroglycanopathy with brain and eye anomalies, type A7. Identifiers: Orphanet 899, MedGen C3553330, MONDO:0013835, OMIM 614643.

Allele frequency attached by ClinVar (database versions not stated): TOPMed below 0.00001; ExAC 0.00001; gnomAD 0.00001.

Submission:

Labcorp Genetics (formerly Invitae), Labcorp
Classification: Pathogenic for Muscular dystrophy-dystroglycanopathy (congenital with brain and eye anomalies), type A, 7; Autosomal recessive limb-girdle muscular dystrophy type 2U. Last evaluated: 2024-05-09. Review status: criteria provided, single submitter. Criteria: Invitae Variant Classification Sherloc (09022015). Collection method: clinical testing. Allele origin: germline.
Comment: This sequence change creates a premature translational stop signal (p.Gln113*) in the ISPD gene. It is expected to result in an absent or disrupted protein product. Loss-of-function variants in ISPD are known to be pathogenic (PMID: 23288328). This variant is present in population databases (rs748007203, gnomAD 0.0009%). This variant has not been reported in the literature in individuals affected with ISPD-related conditions. For these reasons, this variant has been classified as Pathogenic.

Literature cited by the submitters: PubMed 23288328.